The following is an entry in ClinVar:

NM_001048174.2(MUTYH):c.265G>A (p.Ala89Thr)

Gene: MUTYH (mutY DNA glycosylase; minus strand). Cytogenetic location: 1p34.1.
Variant type: single nucleotide variant.
Coding change: c.265G>A on transcript NM_001048174.2 (MANE Select); coding-DNA position 265, G replaced by A.
Protein change: p.Ala89Thr; replaces alanine 89 with threonine.
Molecular consequence: missense variant. On other transcripts: 5 prime UTR variant (4), non-coding transcript variant (2).
Genome position (GRCh38, 1-based): chr1:45,333,324, C>T on the plus strand (G>A on the coding strand, the complement: MUTYH is on the minus strand). VCF-style: chr1-45333324-C-T. GRCh37 (hg19) VCF-style: chr1-45798996-C-T.
Other names: c.265G>A, p.Ala89Thr (NM_001048171.2, NM_001048173.2, NM_001293195.2); c.268G>A, p.Ala90Thr (NM_001048172.2); c.349G>A, p.Ala117Thr (NM_001128425.2); c.310G>A, p.Ala104Thr (NM_001293190.2); c.298G>A, p.Ala100Thr (NM_001293191.2); c.-12G>A (NM_001293192.2, NM_001293196.2); c.-7G>A (NM_001350650.2, NM_001350651.2); c.340G>A, p.Ala114Thr (NM_012222.3); short protein forms A104T, A117T, A89T, A114T, A90T, A100T.
Identifiers: ClinVar variation 823851 (VCV000823851.16), dbSNP rs1304163797, ClinGen allele CA340136317.

ClinVar aggregate classification (germline): Uncertain significance. Review status: criteria provided, multiple submitters, no conflicts (2 of 4 stars). 4 submissions from 4 submitters: Uncertain significance (4). Last evaluated 2025-04-18.

Conditions:
Hereditary cancer-predisposing syndrome. Also called: Tumor predisposition; Hereditary Cancer Syndrome; Hereditary neoplastic syndrome; Neoplastic Syndromes, Hereditary. Identifiers: Orphanet 140162, MedGen C0027672, MeSH D009386, MONDO:0015356.
Familial adenomatous polyposis 2. Also called: FAP type 2; MUTYH Polyposis; COLORECTAL ADENOMATOUS POLYPOSIS, AUTOSOMAL RECESSIVE; ADENOMAS, MULTIPLE COLORECTAL, AUTOSOMAL RECESSIVE; MUTYH-associated polyposis; MUTYH-related attenuated familial adenomatous polyposis. Identifiers: Orphanet 220460, Orphanet 247798, MedGen C3272841, MONDO:0012041, OMIM 608456.

Allele frequency attached by ClinVar (database versions not stated): gnomAD exomes below 0.00001.
gnomAD v4.1: 1 of 1,614,254 alleles (0.000062%); highest among the groups gnomAD compares: Admixed American, 0.0017%; no homozygotes.

Submissions (4):

Labcorp Genetics (formerly Invitae), Labcorp
Classification: Uncertain significance for Familial adenomatous polyposis 2. Last evaluated: 2025-04-18. Review status: criteria provided, single submitter. Criteria: Invitae Variant Classification Sherloc (09022015). Collection method: clinical testing. Allele origin: germline.
Comment: This sequence change replaces alanine, which is neutral and non-polar, with threonine, which is neutral and polar, at codon 117 of the MUTYH protein (p.Ala117Thr). This variant is present in population databases (no rsID available, gnomAD 0.003%). This variant has not been reported in the literature in individuals affected with MUTYH-related conditions. ClinVar contains an entry for this variant (Variation ID: 823851). An algorithm developed to predict the effect of missense changes on protein structure and function (PolyPhen-2) suggests that this variant is likely to be disruptive. In summary, the available evidence is currently insufficient to determine the role of this variant in disease. Therefore, it has been classified as a Variant of Uncertain Significance.

Ambry Genetics
Classification: Uncertain significance for Hereditary cancer-predisposing syndrome. Last evaluated: 2024-05-29. Review status: criteria provided, single submitter. Criteria: Ambry Variant Classification Scheme 2023. Collection method: clinical testing. Allele origin: germline.
Comment: The p.A117T variant (also known as c.349G>A) is located in coding exon 4 of the MUTYH gene. The alanine at codon 117 is replaced by threonine, an amino acid with similar properties. This change occurs in the first base pair of coding exon 4 and the nucleotide position is well conserved. This amino acid position is not well conserved in available vertebrate species. In addition, this alteration is predicted to be tolerated by in silico analysis. Based on the available evidence, the clinical significance of this variant remains unclear.

Baylor Genetics
Classification: Uncertain significance for Familial adenomatous polyposis 2. Last evaluated: 2023-08-15. Review status: criteria provided, single submitter. Criteria: ACMG Guidelines, 2015. Collection method: clinical testing. Allele origin: unknown.

Color Diagnostics, LLC DBA Color Health
Classification: Uncertain significance for Hereditary cancer-predisposing syndrome. Last evaluated: 2022-06-29. Review status: criteria provided, single submitter. Criteria: ACMG Guidelines, 2015. Collection method: clinical testing. Allele origin: germline.
Comment: This missense variant replaces alanine with threonine at codon 117 of the MUTYH protein. Computational prediction suggests that this variant may not impact protein structure and function (internally defined REVEL score threshold <= 0.5, PMID: 27666373). To our knowledge, functional studies have not been reported for this variant. This variant has not been reported in individuals affected with hereditary cancer in the literature. This variant has been identified in 1/251374 chromosomes in the general population by the Genome Aggregation Database (gnomAD). The available evidence is insufficient to determine the role of this variant in disease conclusively. Therefore, this variant is classified as a Variant of Uncertain Significance.